The following is an entry in ClinVar:

ClinVar aggregate classification (germline): Likely benign (0 of 4 stars; one submission).

Conditions:
RBM27-related disorder. Also called: RBM27-related condition.

Submission:

PreventionGenetics, part of Exact Sciences
Classification: Likely benign for RBM27-related condition. Last evaluated: 2022-02-01. Review status: no assertion criteria provided. Collection method: clinical testing. Allele origin: germline.
Comment: This variant is classified as likely benign based on ACMG/AMP sequence variant interpretation guidelines (Richards et al. 2015 PMID: 25741868, with internal and published modifications).

NM_018989.2(RBM27):c.1020CCCAGGCCCGGGCCCAGGTCCAGG[1] (p.337PG[7])

Genes: RBM27 (RNA binding motif protein 27; plus strand), LOC127814297 (RBM27-POU4F3; plus strand). Cytogenetic location: 5q32.
Variant type: Microsatellite.
Coding change: c.1020CCCAGGCCCGGGCCCAGGTCCAGG[1] on transcript NM_018989.2 (MANE Select); one copy of the 24-base unit CCCAGGCCCGGGCCCAGGTCCAGG starting at c.1020; the reference has two copies in a row; one copy, 24 bases deleted.
Protein change: p.337PG[7].
Molecular consequence: inframe deletion.
Genome position (GRCh38, 1-based): chr5:146,233,643-146,233,666, CCCAGGCCCGGGCCCAGGTCCAGG deleted; deleting any 24 consecutive bases within chr5:146,233,608-146,233,666 gives the same sequence; the position shown is the placement nearest the transcript's 3' end. VCF-style (leftmost placement, unchanged base first): chr5-146233607-GCCAGGTCCAGGCCCAGGCCCGGGC-G. GRCh37 (hg19) VCF-style: chr5-145613170-GCCAGGTCCAGGCCCAGGCCCGGGC-G.
Other names: c.1020CCCAGGCCCGGGCCCAGGTCCAGG[1], p.337PG[7] (NM_001414499.1).
Identifiers: ClinVar variation 3050808 (VCV003050808.2), ClinGen allele CA3490354.